The following is an entry in ClinVar:

NM_002878.4(RAD51D):c.668-25CT[2]

Genes: RAD51D (RAD51 paralog D; minus strand), RAD51L3-RFFL (RAD51L3-RFFL readthrough; minus strand). Cytogenetic location: 17q12.
Variant type: Microsatellite.
Coding change: c.668-25CT[2] on transcript NM_002878.4 (MANE Select); two copies in a row of the 2-base unit CT starting at c.668-25; the reference has three copies in a row; one copy, 2 bases deleted.
Molecular consequence: intron variant.
Genome position (GRCh38, 1-based): chr17:35,103,344-35,103,345, AG deleted on the plus strand (CT on the coding strand, the reverse complement: RAD51D is on the minus strand); deleting any 2 consecutive bases within chr17:35,103,344-35,103,349 gives the same sequence; the position shown is the placement nearest the transcript's 3' end. VCF-style (leftmost placement, unchanged base first): chr17-35103343-CAG-C. GRCh37 (hg19) VCF-style: chr17-33430362-CAG-C.
Other names: c.332-25CT[2] (NM_133629.3); c.728-25CT[2] (NM_001142571.2).
Identifiers: ClinVar variation 1575965 (VCV001575965.9), dbSNP rs2142419078, ClinGen allele CA2580612674.

ClinVar aggregate classification (germline): Benign/Likely benign. Review status: criteria provided, multiple submitters, no conflicts (2 of 4 stars). 2 submissions from 2 submitters: Benign (1); Likely benign (1). Last evaluated 2025-10-16.

Conditions:
Breast-ovarian cancer, familial, susceptibility to, 4. Identifiers: Orphanet 145, MedGen C3280345, MONDO:0013669, OMIM 614291.

Submissions (2):

Labcorp Genetics (formerly Invitae), Labcorp
Classification: Likely benign for Breast-ovarian cancer, familial, susceptibility to, 4. Last evaluated: 2025-10-16. Review status: criteria provided, single submitter. Criteria: Invitae Variant Classification Sherloc (09022015). Collection method: clinical testing. Allele origin: germline.

Myriad Genetics, Inc.
Classification: Benign for Breast-ovarian cancer, familial, susceptibility to, 4. Last evaluated: 2025-02-24. Review status: criteria provided, single submitter. Criteria: Myriad Autosomal Dominant, Autosomal Recessive and X-Linked Classification Criteria (2023). Collection method: clinical testing. Allele origin: unknown.
Comment: This variant is considered benign. This variant is intronic and is not expected to impact mRNA splicing.